The following is an entry in ClinVar:

NM_145698.5(ACBD5):c.539G>A (p.Gly180Asp)

Gene: ACBD5 (acyl-CoA binding domain containing 5; minus strand). Cytogenetic location: 10p12.1.
Variant type: single nucleotide variant.
Coding change: c.539G>A on transcript NM_145698.5 (MANE Select); coding-DNA position 539, G replaced by A.
Protein change: p.Gly180Asp; replaces glycine 180 with aspartic acid.
Molecular consequence: missense variant. On other transcripts: intron variant (2).
Genome position (GRCh38, 1-based): chr10:27,219,809, C>T on the plus strand (G>A on the coding strand, the complement: ACBD5 is on the minus strand). VCF-style: chr10-27219809-C-T. GRCh37 (hg19) VCF-style: chr10-27508738-C-T.
Other names: c.434G>A, p.Gly145Asp (NM_001042473.4, NM_001352577.2, NM_001352578.2 and 2 more transcripts); c.533G>A, p.Gly178Asp (NM_001271512.3, NM_001352587.1); c.212G>A, p.Gly71Asp (NM_001301251.2, NM_001301252.2, NM_001301253.2 and 3 more transcripts); c.593G>A, p.Gly198Asp (NM_001352568.1); c.572G>A, p.Gly191Asp (NM_001352569.1, NM_001352581.1); c.539G>A, p.Gly180Asp (NM_001352570.1, NM_001352588.1); c.566G>A, p.Gly189Asp (NM_001352571.1, NM_001352586.1); c.560G>A, p.Gly187Asp (NM_001352572.1); and 5 more; short protein forms G180D, G187D, G189D, G145D, G178D, G191D, G71D, G82D.
Identifiers: ClinVar variation 1400155 (VCV001400155.9), dbSNP rs766185402, ClinGen allele CA376376180.

ClinVar aggregate classification (germline): Uncertain significance. Review status: criteria provided, multiple submitters, no conflicts (2 of 4 stars). 2 submissions from 2 submitters: Uncertain significance (2). Last evaluated 2023-01-23.

Conditions:
Inborn genetic diseases. Identifiers: MedGen C0950123, MeSH D030342.

gnomAD v4.1: 2 of 1,614,024 alleles (0.00012%); highest among the groups gnomAD compares: Non-Finnish European, 0.00017%; no homozygotes.

Submissions (2):

Ambry Genetics
Classification: Uncertain significance for Inborn genetic diseases. Last evaluated: 2023-01-23. Review status: criteria provided, single submitter. Criteria: Ambry Variant Classification Scheme 2023. Collection method: clinical testing. Allele origin: germline.

Labcorp Genetics (formerly Invitae), Labcorp
Classification: Uncertain significance. Last evaluated: 2022-07-19. Review status: criteria provided, single submitter. Criteria: Invitae Variant Classification Sherloc (09022015). Collection method: clinical testing. Allele origin: germline.
Comment: In summary, the available evidence is currently insufficient to determine the role of this variant in disease. Therefore, it has been classified as a Variant of Uncertain Significance. Algorithms developed to predict the effect of missense changes on protein structure and function are either unavailable or do not agree on the potential impact of this missense change (SIFT: "Deleterious"; PolyPhen-2: "Probably Damaging"; Align-GVGD: "Class C15"). ClinVar contains an entry for this variant (Variation ID: 1400155). This variant has not been reported in the literature in individuals affected with ACBD5-related conditions. This variant is not present in population databases (gnomAD no frequency). This sequence change replaces glycine, which is neutral and non-polar, with aspartic acid, which is acidic and polar, at codon 180 of the ACBD5 protein (p.Gly180Asp).